The following is an entry in ClinVar:

ClinVar aggregate classification (germline): Uncertain significance (1 of 4 stars; one submission).

Conditions:
Gastrointestinal stromal tumor. Also called: Gastrointestinal stroma tumor; Gastrointestinal stromal tumor, somatic. Identifiers: Orphanet 44890, MedGen C0238198, MeSH D046152, MONDO:0011719, OMIM 606764, HP:0100723.

Submission:

Labcorp Genetics (formerly Invitae), Labcorp
Classification: Uncertain significance for Gastrointestinal stromal tumor. Last evaluated: 2021-09-21. Review status: criteria provided, single submitter. Criteria: Invitae Variant Classification Sherloc (09022015). Collection method: clinical testing. Allele origin: germline.
Comment: This sequence change replaces asparagine with isoleucine at codon 986 of the PDGFRA protein (p.Asn986Ile). The asparagine residue is moderately conserved and there is a large physicochemical difference between asparagine and isoleucine. This variant is not present in population databases (ExAC no frequency). This variant has not been reported in the literature in individuals affected with PDGFRA-related conditions. Algorithms developed to predict the effect of missense changes on protein structure and function are either unavailable or do not agree on the potential impact of this missense change (SIFT: "Deleterious"; PolyPhen-2: "Benign"; Align-GVGD: "Class C15"). In summary, the available evidence is currently insufficient to determine the role of this variant in disease. Therefore, it has been classified as a Variant of Uncertain Significance.

NM_006206.6(PDGFRA):c.2957A>T (p.Asn986Ile)

Gene: PDGFRA (platelet derived growth factor receptor alpha; plus strand). Cytogenetic location: 4q12.
Variant type: single nucleotide variant.
Coding change: c.2957A>T on transcript NM_006206.6 (MANE Select); coding-DNA position 2957, A replaced by T.
Protein change: p.Asn986Ile; replaces asparagine 986 with isoleucine.
Molecular consequence: missense variant.
Genome position (GRCh38, 1-based): chr4:54,290,389, A>T. VCF-style: chr4-54290389-A-T. GRCh37 (hg19) VCF-style: chr4-55156556-A-T.
Other names: c.3032A>T, p.Asn1011Ile (NM_001347828.2); c.2957A>T, p.Asn986Ile (NM_001347829.2); c.2996A>T, p.Asn999Ile (NM_001347830.2); short protein forms N1011I, N986I, N999I.
Identifiers: ClinVar variation 1382532 (VCV001382532.6), dbSNP rs372859148, ClinGen allele CA356896070.